The following is an entry in ClinVar:

NM_001267550.2(TTN):c.100171+145T>A

Genes: TTN (titin; minus strand), TTN-AS1 (TTN antisense RNA 1; plus strand), LOC126806420 (BRD4-independent group 4 enhancer GRCh37_chr2:179401104-179402303; plus strand). Cytogenetic location: 2q31.2.
Variant type: single nucleotide variant.
Coding change: c.100171+145T>A on transcript NM_001267550.2 (MANE Select); 145 bases into the intron after coding-DNA position 100171, T replaced by A.
Molecular consequence: intron variant.
Genome position (GRCh38, 1-based): chr2:178,536,793, A>T on the plus strand (T>A on the coding strand, the complement: TTN is on the minus strand). VCF-style: chr2-178536793-A-T. GRCh37 (hg19) VCF-style: chr2-179401520-A-T.
Other names: NC_000002.11:g.179401520A>T; c.72976+145T>A (NM_003319.4); c.73552+145T>A (NM_133437.4); c.73351+145T>A (NM_133432.3); c.92467+145T>A (NM_133378.4); c.95248+145T>A (NM_001256850.1).
Identifiers: ClinVar variation 672664 (VCV000672664.3), dbSNP rs4894027, ClinGen allele CA15194492.

ClinVar aggregate classification (germline): Benign. Review status: criteria provided, multiple submitters, no conflicts (2 of 4 stars). 2 submissions from 2 submitters: Benign (2). Last evaluated 2018-06-18.

Allele frequency attached by ClinVar (database versions not stated): gnomAD exomes 0.05036; gnomAD 0.11557 and 0.11568; TOPMed 0.12699; 1000 Genomes Project 0.15056; 1000 Genomes Project 30x 0.15350.
gnomAD v4.1: 54,257 of 872,600 alleles (6.2%); highest among the groups gnomAD compares: African/African-American, 26%; 3,848 homozygotes.

Submissions (7):

GeneDx
Classification: Benign. Last evaluated: 2018-06-18. Review status: criteria provided, single submitter. Criteria: GeneDx Variant Classification (06012015). Collection method: clinical testing. Allele origin: germline. Affected: yes.
Comment: This variant is considered likely benign or benign based on one or more of the following criteria: it is a conservative change, it occurs at a poorly conserved position in the protein, it is predicted to be benign by multiple in silico algorithms, and/or has population frequency not consistent with disease.

Breakthrough Genomics
Classification: Benign. Review status: criteria provided, single submitter. Criteria: ACMG Guidelines, 2015. Collection method: not provided. Allele origin: germline. Inheritance: Autosomal recessive inheritance. Affected: yes.

Dr. Peter K. Rogan Lab, Western University
No classification provided (evidence only). Condition: Lung cancer. Review status: no classification provided. Collection method: in vitro. Allele origin: not applicable. Functional consequence: retained intron. Not counted in ClinVar's aggregate classification.

Dr. Peter K. Rogan Lab, Western University
No classification provided (evidence only). Condition: Acute myeloid leukemia. Review status: no classification provided. Collection method: in vitro. Allele origin: not applicable. Functional consequence: retained intron. Not counted in ClinVar's aggregate classification.

Dr. Peter K. Rogan Lab, Western University
No classification provided (evidence only). Condition: Acute myeloid leukemia. Review status: no classification provided. Collection method: in vitro. Allele origin: not applicable. Functional consequence: retained intron. Not counted in ClinVar's aggregate classification.

Dr. Peter K. Rogan Lab, Western University
No classification provided (evidence only). Condition: Acute myeloid leukemia. Review status: no classification provided. Collection method: in vitro. Allele origin: not applicable. Functional consequence: retained intron. Not counted in ClinVar's aggregate classification.

Dr. Peter K. Rogan Lab, Western University
No classification provided (evidence only). Condition: Malignant lymphoma, large B-cell, diffuse. Review status: no classification provided. Collection method: in vitro. Allele origin: not applicable. Functional consequence: retained intron. Not counted in ClinVar's aggregate classification.